The following is an entry in ClinVar:

ClinVar aggregate classification (germline): Pathogenic (1 of 4 stars; one submission).

Conditions:
Microcephaly-intellectual disability-sensorineural hearing loss-epilepsy-abnormal muscle tone syndrome (NEDHSB). Also called: NEURODEVELOPMENTAL DISORDER WITH HEARING LOSS, SEIZURES, AND BRAIN ABNORMALITIES. Identifiers: Orphanet 457351, MedGen C4225276, MONDO:0014698, OMIM 616577.

Submission:

Labcorp Genetics (formerly Invitae), Labcorp
Classification: Pathogenic for Microcephaly-intellectual disability-sensorineural hearing loss-epilepsy-abnormal muscle tone syndrome. Last evaluated: 2026-01-28. Review status: criteria provided, single submitter. Criteria: Invitae Variant Classification Sherloc (09022015). Collection method: clinical testing. Allele origin: germline.
Comment: This sequence change creates a premature translational stop signal (p.Asn607Metfs*8) in the SPATA5 gene. It is expected to result in an absent or disrupted protein product. Loss-of-function variants in SPATA5 are known to be pathogenic (PMID: 26299366). This variant is not present in population databases (gnomAD no frequency). This variant has not been reported in the literature in individuals affected with SPATA5-related conditions. ClinVar contains an entry for this variant (Variation ID: 651167). For these reasons, this variant has been classified as Pathogenic.

Literature cited by the submitters: PubMed 26299366.

NM_145207.3(AFG2A):c.1820del (p.Asn607fs)

Gene: AFG2A (AAA ATPase AFG2A; plus strand). Cytogenetic location: 4q28.1.
Variant type: Deletion.
Coding change: c.1820del on transcript NM_145207.3 (MANE Select); coding-DNA position 1820, one base deleted (A; older notation c.1820delA).
Protein change: p.Asn607fs; shifts the reading frame from asparagine 607.
Molecular consequence: frameshift variant.
Genome position (GRCh38, 1-based): chr4:122,979,337, A deleted; the last of 2 consecutive A bases (chr4:122,979,336-122,979,337); deleting either gives the same sequence. VCF-style (leftmost placement, unchanged base first): chr4-122979335-GA-G. GRCh37 (hg19) VCF-style: chr4-123900490-GA-G.
Other names: c.1817del, p.Asn606fs (NM_001317799.2, NM_001345856.2); short protein forms N606fs, N607fs.
Identifiers: ClinVar variation 651167 (VCV000651167.5), dbSNP rs1578612173, ClinGen allele CA915943197.